The following is an entry in ClinVar:

NM_002617.4(PEX10):c.912+8G>A

Gene: PEX10 (peroxisomal biogenesis factor 10; minus strand). Cytogenetic location: 1p36.32.
Variant type: single nucleotide variant.
Coding change: c.912+8G>A on transcript NM_002617.4 (MANE Select); 8 bases into the intron after coding-DNA position 912, G replaced by A.
Molecular consequence: intron variant.
Genome position (GRCh38, 1-based): chr1:2,406,476, C>T on the plus strand (G>A on the coding strand, the complement: PEX10 is on the minus strand). VCF-style: chr1-2406476-C-T. GRCh37 (hg19) VCF-style: chr1-2337915-C-T.
Other names: c.480+8G>A (NM_001374427.1); c.537+8G>A (NM_001374426.1); c.969+8G>A (NM_001374425.1); c.972+8G>A (NM_153818.2, NM_153818.1).
Identifiers: ClinVar variation 1953096 (VCV001953096.5), dbSNP rs1166297442, ClinGen allele CA521014095.

ClinVar aggregate classification (germline): Uncertain significance. Review status: criteria provided, single submitter (1 of 4 stars). 2 submissions from 2 submitters: Uncertain significance (1). 1 of the submissions does not count toward it. Last evaluated 2022-03-15.

Conditions:
Peroxisome biogenesis disorder, complementation group 7 (CG7). Also called: Peroxisome biogenesis disorder, complementation group B. Identifiers: MedGen C1864399.
Zellweger spectrum disorders (ZS). Also called: Zellweger Spectrum Disorder (ZSD); Zellweger syndrome; Zellweger Spectrum Disorder; Zellweger Spectrum. Identifiers: Orphanet 912, MedGen C0043459, MONDO:0019609.

Allele frequency attached by ClinVar (database versions not stated): gnomAD exomes below 0.00001.

Submissions (2):

Labcorp Genetics (formerly Invitae), Labcorp
Classification: Uncertain significance for Peroxisome biogenesis disorder, complementation group 7. Last evaluated: 2022-03-15. Review status: criteria provided, single submitter. Criteria: Invitae Variant Classification Sherloc (09022015). Collection method: clinical testing. Allele origin: germline.
Comment: This sequence change falls in intron 5 of the PEX10 gene. It does not directly change the encoded amino acid sequence of the PEX10 protein. This variant is present in population databases (no rsID available, gnomAD 0.006%). This variant has not been reported in the literature in individuals affected with PEX10-related conditions. Algorithms developed to predict the effect of sequence changes on RNA splicing suggest that this variant may create or strengthen a splice site. In summary, the available evidence is currently insufficient to determine the role of this variant in disease. Therefore, it has been classified as a Variant of Uncertain Significance.

Natera, Inc.
Classification: Uncertain significance for Zellweger syndrome. Last evaluated: 2025-04-20. Review status: no assertion criteria provided. Collection method: clinical testing. Allele origin: germline. Not counted in ClinVar's aggregate classification.